The following is an entry in ClinVar:

NM_014336.5(AIPL1):c.216G>A (p.Trp72Ter)

Gene: AIPL1 (AIP like 1 HSP90 co-chaperone; minus strand). Cytogenetic location: 17p13.2.
Variant type: single nucleotide variant.
Coding change: c.216G>A on transcript NM_014336.5 (MANE Select); coding-DNA position 216, G replaced by A.
Protein change: p.Trp72Ter; replaces tryptophan 72 with a stop codon.
Molecular consequence: nonsense. On other transcripts: intron variant (1).
Genome position (GRCh38, 1-based): chr17:6,433,979, C>T on the plus strand (G>A on the coding strand, the complement: AIPL1 is on the minus strand). VCF-style: chr17-6433979-C-T. GRCh37 (hg19) VCF-style: chr17-6337299-C-T.
Other names: NM_001285403.4:c.216G>A; c.216G>A, p.Trp72Ter (NM_001285401.3, NM_001285403.4, NM_001033054.3); c.99G>A, p.Trp33Ter (NM_001285402.2); c.96+1030G>A (NM_001033055.3); c.180G>A, p.Trp60Ter (NM_001285399.3); c.150G>A, p.Trp50Ter (NM_001285400.3); short protein forms W33*, W50*, W60*, W72*.
Identifiers: ClinVar variation 4087770 (VCV004087770.1).
Genomic context (GRCh38, chr17:6,433,979, plus strand): 5'-GATGGTGTCGCACCAGAACTCGGCCACCTCGTGCACCCGCATGGAGGTAAGCAGGATCTC[C>T]CAGACCTCGAGCTTGAACATGTTTCCGATGATGATGTGCATGGGCTGGCCCACCTGCCGA-3'

ClinVar aggregate classification (germline): Pathogenic (3 of 4 stars; one submission).

Conditions:
AIPL1-related retinopathy. Also called: AIPL1 retinopathy. Identifiers: MedGen CN305590, MONDO:0100438.

Submission:

ClinGen Leber Congenital Amaurosis/early Onset Retinal Dystrophy Variant Curation Expert Panel, ClinGen
Classification: Pathogenic for AIPL1-related retinopathy. Last evaluated: 2025-09-29. Review status: reviewed by expert panel. Criteria: ClinGen LCAeoRD ACMG Specifications AIPL1 V1.0.0. Collection method: curation. Allele origin: germline. Inheritance: Autosomal recessive inheritance.
Comment: NM_014336.5(AIPL1):c.216G>A (p.Trp72Ter) is a nonsense variant that introduces a premature stop codon into exon 2 of 6 and is predicted to lead to nonsense-mediated decay in a gene in which loss-of-function is an established mechanism of disease (PVS1). This variant is absent from gnomAD v4.1.0 (PM2_Supporting). At least one proband harboring this variant exhibits a phenotype including a diagnosis of Leber congenital amaurosis (0.5 pts), severely reduced central visual acuity (1 pt), kinetic visual field extent (V-4e) undetectable (1 pt), nystagmus (1 pt), and nondetectable electroretinogram responses from both rods (0.5 pts) and cones (1 pt), which together are specific for AIPL1-related retinopathy (total 5 points, PMID: 20702822, PP4). In summary, this variant meets the criteria to be classified as Pathogenic for AIPL1-related retinopathy based on the ACMG/AMP criteria applied, as specified by the ClinGen LCA/eoRD VCEP: PVS1, PM2_Supporting, and PP4. (VCEP specifications version 1.0.0; date of approval 09/24/2025).